The following is an entry in ClinVar:

NM_006031.6(PCNT):c.389A>G (p.His130Arg)

Gene: PCNT (pericentrin; plus strand). Cytogenetic location: 21q22.3.
Variant type: single nucleotide variant.
Coding change: c.389A>G on transcript NM_006031.6 (MANE Select); coding-DNA position 389, A replaced by G.
Protein change: p.His130Arg; replaces histidine 130 with arginine.
Molecular consequence: missense variant.
Genome position (GRCh38, 1-based): chr21:46,334,518, A>G. VCF-style: chr21-46334518-A-G. GRCh37 (hg19) VCF-style: chr21-47754432-A-G.
Other names: c.35A>G, p.His12Arg (NM_001315529.2); short protein forms H130R, H12R.
Identifiers: ClinVar variation 895266 (VCV000895266.10), dbSNP rs57046460, ClinGen allele CA10078242.

ClinVar aggregate classification (germline): Conflicting classifications of pathogenicity. Review status: criteria provided, conflicting classifications (1 of 4 stars). 5 submissions from 5 submitters: Uncertain significance (3); Likely benign (1). 1 of the submissions does not count toward it. Last evaluated 2024-01-31.

Conditions:
Inborn genetic diseases. Identifiers: MedGen C0950123, MeSH D030342.
PCNT-related disorder. Also called: PCNT-related condition.
Microcephalic osteodysplastic primordial dwarfism type II (MOPD2). Also called: Microcephalic osteodysplastic primordial dwarfism with tooth abnormalities; MOPD II; OSTEODYSPLASTIC PRIMORDIAL DWARFISM, TYPE II. Identifiers: Orphanet 2637, MedGen C0432246, MONDO:0008872, OMIM 210720.

Allele frequency attached by ClinVar (database versions not stated): ExAC 0.00002; gnomAD exomes 0.00002; gnomAD 0.00005.

Submissions (5):

Ambry Genetics
Classification: Likely benign for Inborn genetic diseases. Last evaluated: 2024-01-31. Review status: criteria provided, single submitter. Criteria: Ambry Variant Classification Scheme 2023. Collection method: clinical testing. Allele origin: germline.

Institute for Clinical Genetics, University Hospital TU Dresden, University Hospital TU Dresden
Classification: Uncertain significance. Last evaluated: 2021-11-03. Review status: criteria provided, single submitter. Criteria: ACMG Guidelines, 2015. Collection method: clinical testing. Allele origin: germline.

Illumina Laboratory Services, Illumina
Classification: Uncertain significance for Microcephalic osteodysplastic primordial dwarfism type II. Last evaluated: 2018-01-13. Review status: criteria provided, single submitter. Criteria: ICSL Variant Classification Criteria 13 December 2019. Collection method: clinical testing. Allele origin: germline.

Breakthrough Genomics
Classification: Uncertain significance. Review status: criteria provided, single submitter. Criteria: ACMG Guidelines, 2015. Collection method: not provided. Allele origin: germline. Inheritance: Autosomal dominant inheritance. Affected: yes.

PreventionGenetics, part of Exact Sciences
Classification: Uncertain significance for PCNT-related condition. Last evaluated: 2024-06-05. Review status: no assertion criteria provided. Collection method: clinical testing. Allele origin: germline. Not counted in ClinVar's aggregate classification.
Comment: The PCNT c.389A>G variant is predicted to result in the amino acid substitution p.His130Arg. To our knowledge, this variant has not been reported in the literature. This variant is reported in 0.0083% of alleles in individuals of African descent in gnomAD. At this time, the clinical significance of this variant is uncertain due to the absence of conclusive functional and genetic evidence.